The following is an entry in ClinVar:

ClinVar aggregate classification (germline): Uncertain significance (1 of 4 stars; one submission).

Allele frequency attached by ClinVar (database versions not stated): ExAC 0.00001; gnomAD exomes 0.00001.
gnomAD v4.1: 4 of 1,614,238 alleles (0.00025%); highest among the groups gnomAD compares: Non-Finnish European, 0.00034%; no homozygotes.

Submission:

Labcorp Genetics (formerly Invitae), Labcorp
Classification: Uncertain significance. Last evaluated: 2022-03-26. Review status: criteria provided, single submitter. Criteria: Invitae Variant Classification Sherloc (09022015). Collection method: clinical testing. Allele origin: germline.
Comment: In summary, the available evidence is currently insufficient to determine the role of this variant in disease. Therefore, it has been classified as a Variant of Uncertain Significance. Algorithms developed to predict the effect of missense changes on protein structure and function are either unavailable or do not agree on the potential impact of this missense change (SIFT: "Deleterious"; PolyPhen-2: "Probably Damaging"; Align-GVGD: "Class C15"). This variant has not been reported in the literature in individuals affected with VAC14-related conditions. This variant is present in population databases (rs770181474, gnomAD 0.0009%). This sequence change replaces glycine, which is neutral and non-polar, with aspartic acid, which is acidic and polar, at codon 72 of the VAC14 protein (p.Gly72Asp).

NM_018052.5(VAC14):c.215G>A (p.Gly72Asp)

Gene: VAC14 (VAC14 component of PIKFYVE complex; minus strand). Cytogenetic location: 16q22.1.
Variant type: single nucleotide variant.
Coding change: c.215G>A on transcript NM_018052.5 (MANE Select); coding-DNA position 215, G replaced by A.
Protein change: p.Gly72Asp; replaces glycine 72 with aspartic acid.
Molecular consequence: missense variant. On other transcripts: intron variant (1).
Genome position (GRCh38, 1-based): chr16:70,786,255, C>T on the plus strand (G>A on the coding strand, the complement: VAC14 is on the minus strand). VCF-style: chr16-70786255-C-T. GRCh37 (hg19) VCF-style: chr16-70820158-C-T.
Other names: c.-447-386G>A (NM_001351157.2); short protein forms G72D.
Identifiers: ClinVar variation 1944910 (VCV001944910.5), dbSNP rs770181474, ClinGen allele CA8148165.